The following is an entry in ClinVar:

ClinVar aggregate classification (germline): Benign/Likely benign. Review status: criteria provided, multiple submitters, no conflicts (2 of 4 stars). 10 submissions from 10 submitters: Benign (1); Likely benign (7). 2 of the submissions do not count toward it. Last evaluated 2025-12-29.

Conditions:
PALB2-related disorder. Also called: PALB2-related disorders; PALB2-related condition.
Hereditary cancer-predisposing syndrome. Also called: Neoplastic Syndromes, Hereditary; Tumor predisposition; Hereditary Cancer Syndrome; Hereditary neoplastic syndrome. Identifiers: Orphanet 140162, MedGen C0027672, MeSH D009386, MONDO:0015356.
Familial cancer of breast. Also called: BREAST CANCER, FAMILIAL; hereditary breast carcinoma; Hereditary breast cancer. Identifiers: Orphanet 227535, MedGen C0346153, MONDO:0016419, OMIM 114480. Disease mechanism: loss of function.

Allele frequency attached by ClinVar (database versions not stated): gnomAD 0.00001; gnomAD exomes 0.00001; TOPMed 0.00001; ExAC 0.00002.
gnomAD v4.1: 22 of 1,613,978 alleles (0.0014%); highest among the groups gnomAD compares: East Asian, 0.031%; no homozygotes.

Submissions (10):

Center for Genomic Medicine, Rigshospitalet, Copenhagen University Hospital
Classification: Likely benign. Last evaluated: 2025-12-29. Review status: criteria provided, single submitter. Criteria: ACMG Guidelines, 2015. Collection method: clinical testing. Allele origin: germline.
Comment: Classification criteria: BP4, BP7

Labcorp Genetics (formerly Invitae), Labcorp
Classification: Likely benign for Familial cancer of breast. Last evaluated: 2025-11-03. Review status: criteria provided, single submitter. Criteria: Invitae Variant Classification Sherloc (09022015). Collection method: clinical testing. Allele origin: germline.

Myriad Genetics, Inc.
Classification: Benign for Familial cancer of breast. Last evaluated: 2025-01-17. Review status: criteria provided, single submitter. Criteria: Myriad Autosomal Dominant, Autosomal Recessive and X-Linked Classification Criteria (2023). Collection method: clinical testing. Allele origin: unknown.
Comment: This variant is considered benign. This variant is a silent/synonymous amino acid change and it is not expected to impact splicing.

Sema4
Classification: Likely benign for Hereditary cancer-predisposing syndrome. Last evaluated: 2021-07-16. Review status: criteria provided, single submitter. Criteria: Sema4 Curation Guidelines. Collection method: curation. Allele origin: germline.

GeneDx
Classification: Likely benign. Last evaluated: 2019-02-27. Review status: criteria provided, single submitter. Criteria: GeneDx Variant Classification Process June 2021. Collection method: clinical testing. Allele origin: germline. Affected: yes.

Women's Health and Genetics/Laboratory Corporation of America, LabCorp
Classification: Likely benign. Last evaluated: 2019-01-07. Review status: criteria provided, single submitter. Criteria: LabCorp Variant Classification Summary - May 2015. Collection method: clinical testing. Allele origin: germline.
Comment: Variant summary: PALB2 c.2673C>T alters a non-conserved nucleotide resulting in a synonymous change. 4/5 computational tools predict no significant impact on normal splicing. However, these predictions have yet to be confirmed by functional studies. The variant allele was found at a frequency of 2.4e-05 in 246260 control chromosomes (gnomAD). The available data on variant occurrences in the general population are insufficient to allow any conclusion about variant significance. c.2673C>T has been reported in the literature in 8 Japanese female Breast Cancer cases, however it was also found in 27 healthy Japanese controls (Momozawa 2018). Four clinical diagnostic laboratories have submitted clinical-significance assessments for this variant to ClinVar after 2014 without evidence for independent evaluation. All laboratories classified the variant as likely benign. Based on the evidence outlined above, the variant was classified as likely benign.

Color Diagnostics, LLC DBA Color Health
Classification: Likely benign for Hereditary cancer-predisposing syndrome. Last evaluated: 2017-04-24. Review status: criteria provided, single submitter. Criteria: ACMG Guidelines, 2015. Collection method: clinical testing. Allele origin: germline.

Ambry Genetics
Classification: Likely benign for Hereditary cancer-predisposing syndrome. Last evaluated: 2015-03-04. Review status: criteria provided, single submitter. Criteria: Ambry Variant Classification Scheme 2023. Collection method: clinical testing. Allele origin: germline.

PreventionGenetics, part of Exact Sciences
Classification: Likely benign for PALB2-related condition. Last evaluated: 2021-03-25. Review status: no assertion criteria provided. Collection method: clinical testing. Allele origin: germline. Not counted in ClinVar's aggregate classification.
Comment: This variant is classified as likely benign based on ACMG/AMP sequence variant interpretation guidelines (Richards et al. 2015 PMID: 25741868, with internal and published modifications).

Leiden Open Variation Database
Classification: Benign. Last evaluated: 2018-10-10. Review status: no assertion criteria provided. Collection method: curation. Allele origin: germline. Affected: yes. Not counted in ClinVar's aggregate classification.
Comment: Curators: Marc Tischkowitz, Arleen D. Auerbach. Submitter to LOVD: Yukihide Momozawa.

Literature cited by the submitters: PubMed 30287823 (cited by Sema4 and Leiden Open Variation Database).

NM_024675.4(PALB2):c.2673C>T (p.Cys891=)

Gene: PALB2 (partner and localizer of BRCA2; minus strand). Cytogenetic location: 16p12.2.
Variant type: single nucleotide variant.
Coding change: c.2673C>T on transcript NM_024675.4 (MANE Select); coding-DNA position 2673, C replaced by T.
Protein change: p.Cys891=; no amino-acid change (cysteine 891 retained).
Molecular consequence: synonymous variant.
Genome position (GRCh38, 1-based): chr16:23,626,311, G>A on the plus strand (C>T on the coding strand, the complement: PALB2 is on the minus strand). VCF-style: chr16-23626311-G-A. GRCh37 (hg19) VCF-style: chr16-23637632-G-A.
Identifiers: ClinVar variation 230867 (VCV000230867.26), dbSNP rs78179744, ClinGen allele CA7963509.